The following is an entry in ClinVar:

ClinVar aggregate classification (germline): Uncertain significance (1 of 4 stars; one submission).

Conditions:
Short-rib thoracic dysplasia 13 with or without polydactyly (SRTD13). Identifiers: Orphanet 474, MedGen C4225378, MONDO:0014577, OMIM 616300.

Allele frequency attached by ClinVar (database versions not stated): gnomAD exomes below 0.00001; ExAC 0.00001.

Submission:

Labcorp Genetics (formerly Invitae), Labcorp
Classification: Uncertain significance for Short-rib thoracic dysplasia 13 with or without polydactyly. Last evaluated: 2022-01-17. Review status: criteria provided, single submitter. Criteria: Invitae Variant Classification Sherloc (09022015). Collection method: clinical testing. Allele origin: germline.
Comment: In summary, the available evidence is currently insufficient to determine the role of this variant in disease. Therefore, it has been classified as a Variant of Uncertain Significance. Algorithms developed to predict the effect of missense changes on protein structure and function are either unavailable or do not agree on the potential impact of this missense change (SIFT: "Deleterious"; PolyPhen-2: "Possibly Damaging"; Align-GVGD: "Class C0"). This variant has not been reported in the literature in individuals affected with CEP120-related conditions. This variant is present in population databases (rs771608017, gnomAD 0.003%). This sequence change replaces alanine, which is neutral and non-polar, with threonine, which is neutral and polar, at codon 32 of the CEP120 protein (p.Ala32Thr).

NM_001375405.1(CEP120):c.94G>A (p.Ala32Thr)

Gene: CEP120 (centrosomal protein 120; minus strand). Cytogenetic location: 5q23.2.
Variant type: single nucleotide variant.
Coding change: c.94G>A on transcript NM_001375405.1 (MANE Select); coding-DNA position 94, G replaced by A.
Protein change: p.Ala32Thr; replaces alanine 32 with threonine.
Molecular consequence: missense variant. On other transcripts: 5 prime UTR variant (2), non-coding transcript variant (1).
Genome position (GRCh38, 1-based): chr5:123,418,471, C>T on the plus strand (G>A on the coding strand, the complement: CEP120 is on the minus strand). VCF-style: chr5-123418471-C-T. GRCh37 (hg19) VCF-style: chr5-122754165-C-T.
Other names: c.16G>A, p.Ala6Thr (NM_001166226.2); c.94G>A, p.Ala32Thr (NM_001375406.1, NM_001375407.1, NM_153223.4); c.-655G>A (NM_001375408.1); c.-597G>A (NM_001375409.1); short protein forms A32T, A6T.
Identifiers: ClinVar variation 2078701 (VCV002078701.4), dbSNP rs771608017, ClinGen allele CA3387344.
Genomic context (GRCh38, chr5:123,418,471, plus strand): 5'-ATTCTGGCTGGTCAGTGTGGTCCACAGGATCAGTAGCCAACTGTTCTCCATCAAACTTTG[C>T]TTCCACTACAAGCATATGCTTTGGACGTTTGGGGAAATGCCGACCTGGAGAAACAGAATA-3'
Protein context (NP_001362334.1, residues 22-42): KRPKHMLVVE[Ala32Thr]KFDGEQLATD